The following is an entry in ClinVar:

NM_004380.3(CREBBP):c.652A>G (p.Arg218Gly)

Gene: CREBBP (CREB binding lysine acetyltransferase; minus strand). Cytogenetic location: 16p13.3.
Variant type: single nucleotide variant.
Coding change: c.652A>G on transcript NM_004380.3 (MANE Select); coding-DNA position 652, A replaced by G.
Protein change: p.Arg218Gly; replaces arginine 218 with glycine.
Molecular consequence: missense variant.
Genome position (GRCh38, 1-based): chr16:3,850,443, T>C on the plus strand (A>G on the coding strand, the complement: CREBBP is on the minus strand). VCF-style: chr16-3850443-T-C. GRCh37 (hg19) VCF-style: chr16-3900444-T-C.
Other names: c.652A>G, p.Arg218Gly (NM_001079846.1); short protein forms R218G.
Identifiers: ClinVar variation 2042194 (VCV002042194.4), dbSNP rs966483710, ClinGen allele CA276986884.

ClinVar aggregate classification (germline): Uncertain significance (1 of 4 stars; one submission).

Conditions:
Rubinstein-Taybi syndrome (RSTS). Identifiers: Orphanet 783, MedGen C0035934, MONDO:0019188.

Allele frequency attached by ClinVar (database versions not stated): gnomAD exomes below 0.00001; gnomAD 0.00001; TOPMed 0.00001.
gnomAD v4.1: 2 of 1,614,138 alleles (0.00012%); highest among the groups gnomAD compares: Non-Finnish European, 0.00017%; no homozygotes.

Submission:

Labcorp Genetics (formerly Invitae), Labcorp
Classification: Uncertain significance for Rubinstein-Taybi syndrome. Last evaluated: 2022-06-04. Review status: criteria provided, single submitter. Criteria: Invitae Variant Classification Sherloc (09022015). Collection method: clinical testing. Allele origin: germline.
Comment: This sequence change replaces arginine, which is basic and polar, with glycine, which is neutral and non-polar, at codon 218 of the CREBBP protein (p.Arg218Gly). This variant is present in population databases (no rsID available, gnomAD 0.0009%). This variant has not been reported in the literature in individuals affected with CREBBP-related conditions. Algorithms developed to predict the effect of missense changes on protein structure and function (SIFT, PolyPhen-2, Align-GVGD) all suggest that this variant is likely to be disruptive. In summary, the available evidence is currently insufficient to determine the role of this variant in disease. Therefore, it has been classified as a Variant of Uncertain Significance.